The following is an entry in ClinVar:

ClinVar aggregate classification (germline): Uncertain significance (1 of 4 stars; one submission).

Submission:

Labcorp Genetics (formerly Invitae), Labcorp
Classification: Uncertain significance. Last evaluated: 2024-03-13. Review status: criteria provided, single submitter. Criteria: Invitae Variant Classification Sherloc (09022015). Collection method: clinical testing. Allele origin: germline.
Comment: This sequence change replaces glycine, which is neutral and non-polar, with valine, which is neutral and non-polar, at codon 392 of the TNFRSF11A protein (p.Gly392Val). This variant is not present in population databases (gnomAD no frequency). This variant has not been reported in the literature in individuals affected with TNFRSF11A-related conditions. An algorithm developed to predict the effect of missense changes on protein structure and function (PolyPhen-2) suggests that this variant is likely to be disruptive. In summary, the available evidence is currently insufficient to determine the role of this variant in disease. Therefore, it has been classified as a Variant of Uncertain Significance.

NM_003839.4(TNFRSF11A):c.1175G>T (p.Gly392Val)

Gene: TNFRSF11A (TNF receptor superfamily member 11a; plus strand). Cytogenetic location: 18q21.33.
Variant type: single nucleotide variant.
Coding change: c.1175G>T on transcript NM_003839.4 (MANE Select); coding-DNA position 1175, G replaced by T.
Protein change: p.Gly392Val; replaces glycine 392 with valine.
Molecular consequence: missense variant. On other transcripts: intron variant (3).
Genome position (GRCh38, 1-based): chr18:62,369,092, G>T. VCF-style: chr18-62369092-G-T. GRCh37 (hg19) VCF-style: chr18-60036325-G-T.
Other names: c.1133G>T, p.Gly378Val (NM_001278268.2); c.783+2332G>T (NM_001270949.2); c.730+7299G>T (NM_001270950.2); c.616+9043G>T (NM_001270951.2); short protein forms G378V, G392V.
Identifiers: ClinVar variation 3612309 (VCV003612309.2).